The following is an entry in ClinVar:

NM_001042492.3(NF1):c.7738+3G>A

Gene: NF1 (neurofibromin 1; plus strand). Cytogenetic location: 17q11.2.
Variant type: single nucleotide variant.
Coding change: c.7738+3G>A on transcript NM_001042492.3 (MANE Select); 3 bases into the intron after coding-DNA position 7738, G replaced by A.
Molecular consequence: intron variant.
Genome position (GRCh38, 1-based): chr17:31,356,585, G>A. VCF-style: chr17-31356585-G-A. GRCh37 (hg19) VCF-style: chr17-29683603-G-A.
Other names: c.7675+3G>A (NM_000267.4).
Identifiers: ClinVar variation 186950 (VCV000186950.8), dbSNP rs771445239, ClinGen allele CA196320.
Genomic context (GRCh38, chr17:31,356,585, plus strand): 5'-TCAGGGATCACAACACCCCCCAAAATGAGGAGAGTAGCAGAAACTGATTATGAAATGGGT[G>A]AGAAACAAAGTATTGATCTAGATCATTGAAAATAAGGTGGGAGAGTACATGAAAGTCATG-3'

ClinVar aggregate classification (germline): Uncertain significance. Review status: criteria provided, multiple submitters, no conflicts (2 of 4 stars). 2 submissions from 2 submitters: Uncertain significance (2). Last evaluated 2024-10-20.

Conditions:
Hereditary cancer-predisposing syndrome. Also called: Hereditary Cancer Syndrome; Neoplastic Syndromes, Hereditary; Tumor predisposition; Hereditary neoplastic syndrome. Identifiers: Orphanet 140162, MedGen C0027672, MeSH D009386, MONDO:0015356.
Neurofibromatosis, type 1 (NF1). Also called: NEUROFIBROMATOSIS, TYPE I, SOMATIC; VON RECKLINGHAUSEN DISEASE; Peripheral type neurofibromatosis; Neurofibromatosis, type I. Identifiers: Orphanet 636, MedGen C0027831, MONDO:0018975, OMIM 162200. Disease mechanism: loss of function.

Allele frequency attached by ClinVar (database versions not stated): ExAC 0.00001; TOPMed 0.00001.

Submissions (2):

Labcorp Genetics (formerly Invitae), Labcorp
Classification: Uncertain significance for Neurofibromatosis, type 1. Last evaluated: 2024-10-20. Review status: criteria provided, single submitter. Criteria: Invitae Variant Classification Sherloc (09022015). Collection method: clinical testing. Allele origin: germline.
Comment: This sequence change falls in intron 51 of the NF1 gene. It does not directly change the encoded amino acid sequence of the NF1 protein. It affects a nucleotide within the consensus splice site. This variant is not present in population databases (gnomAD no frequency). This variant has not been reported in the literature in individuals affected with NF1-related conditions. ClinVar contains an entry for this variant (Variation ID: 186950). Variants that disrupt the consensus splice site are a relatively common cause of aberrant splicing (PMID: 17576681, 9536098). Algorithms developed to predict the effect of sequence changes on RNA splicing suggest that this variant is not likely to affect RNA splicing. In summary, the available evidence is currently insufficient to determine the role of this variant in disease. Therefore, it has been classified as a Variant of Uncertain Significance.

Ambry Genetics
Classification: Uncertain significance for Hereditary cancer-predisposing syndrome. Last evaluated: 2014-11-18. Review status: criteria provided, single submitter. Criteria: Ambry Autosomal Dominant and X-Linked criteria (10/2015). Collection method: clinical testing. Allele origin: germline. Observed: 1 variant allele.
Comment: The c.7738+3G>A intronic variant results from a G to A substitution 3 nucleotides after coding exon 52 in the NF1 gene. This variant was not reported in population based cohorts in the following databases: Database of Single Nucleotide Polymorphisms (dbSNP), NHLBI Exome Sequencing Project (ESP), and 1000 Genomes Project. In the ESP, this variant was not observed in 6503 samples (13006 alleles) with coverage at this position.<span style="background-color: initial;">To date, this alteration has been detected with an allele frequency of approximately 0.01% (greater than 11000 alleles tested) in our clinical cohort.<span style="background-color: initial;">This nucleotide position is not well conserved in available vertebrate species. Using the BDGP and ESEfinder splice site prediction tools, this alteration is not predicted to have any significant effect on this donor splice site; however, direct evidence is unavailable.<span style="background-color: initial;">Since supporting evidence is limited at this time, the clinical significance of c.7738+3G>A remains unclear.

Literature cited by the submitters: PubMed 17576681 (cited by Labcorp Genetics (formerly Invitae), Labcorp); PubMed 9536098 (cited by Labcorp Genetics (formerly Invitae), Labcorp).